The following is an entry in ClinVar:

NR_185847.1(GNAS-AS1):n.749C>T

Gene: GNAS-AS1 (GNAS antisense RNA 1; minus strand). Cytogenetic location: 20q13.32.
Variant type: single nucleotide variant.
Molecular consequence: non-coding transcript variant (on NR_185847.1).
Genome position: GRCh38 VCF-style: chr20-58819179-G-A. GRCh37 (hg19) VCF-style: chr20-57394234-G-A.
Identifiers: ClinVar variation 3341918 (VCV003341918.16).

ClinVar aggregate classification (germline): Benign (1 of 4 stars; one submission).

gnomAD v4.1: 4,339 of 398,622 alleles (1.1%); highest among the groups gnomAD compares: Middle Eastern, 6%; 47 homozygotes.

Submission:

CeGaT Center for Human Genetics Tuebingen
Classification: Benign. Last evaluated: 2024-09-01. Review status: criteria provided, single submitter. Criteria: CeGaT Center For Human Genetics Tuebingen Variant Classification Criteria Version 2. Collection method: clinical testing. Allele origin: germline. Affected: yes. Observed: 3 variant alleles.
Comment: GNAS-AS1: BS1, BS2